The following is an entry in ClinVar:

ClinVar aggregate classification (germline): Uncertain significance (1 of 4 stars; one submission).

Conditions:
Duchenne muscular dystrophy (DMD). Also called: MUSCULAR DYSTROPHY, PSEUDOHYPERTROPHIC PROGRESSIVE, DUCHENNE TYPE; Duchenne Muscular Dystrophy (DMD). Identifiers: Orphanet 98896, MedGen C0013264, MONDO:0010679, OMIM 310200.

gnomAD v4.1: 1 of 1,209,659 alleles (0.000083%); highest among the groups gnomAD compares: Non-Finnish European, 0.00011%; no homozygotes.

Submission:

Labcorp Genetics (formerly Invitae), Labcorp
Classification: Uncertain significance for Duchenne muscular dystrophy. Last evaluated: 2024-03-29. Review status: criteria provided, single submitter. Criteria: Invitae Variant Classification Sherloc (09022015). Collection method: clinical testing. Allele origin: germline.
Comment: This sequence change replaces alanine, which is neutral and non-polar, with valine, which is neutral and non-polar, at codon 1616 of the DMD protein (p.Ala1616Val). This variant is not present in population databases (gnomAD no frequency). This variant has not been reported in the literature in individuals affected with DMD-related conditions. ClinVar contains an entry for this variant (Variation ID: 1374435). An algorithm developed to predict the effect of missense changes on protein structure and function (PolyPhen-2) suggests that this variant is likely to be disruptive. In summary, the available evidence is currently insufficient to determine the role of this variant in disease. Therefore, it has been classified as a Variant of Uncertain Significance.

NM_004006.3(DMD):c.4847C>T (p.Ala1616Val)

Gene: DMD (dystrophin; minus strand). Cytogenetic location: Xp21.1.
Variant type: single nucleotide variant.
Coding change: c.4847C>T on transcript NM_004006.3 (MANE Select); coding-DNA position 4847, C replaced by T.
Protein change: p.Ala1616Val; replaces alanine 1616 with valine.
Molecular consequence: missense variant.
Genome position (GRCh38, 1-based): chrX:32,365,198, G>A on the plus strand (C>T on the coding strand, the complement: DMD is on the minus strand). VCF-style: chrX-32365198-G-A. GRCh37 (hg19) VCF-style: chrX-32383315-G-A.
Other names: c.4823C>T, p.Ala1608Val (NM_000109.4); c.4835C>T, p.Ala1612Val (NM_004009.3); c.4478C>T, p.Ala1493Val (NM_004010.3); c.824C>T, p.Ala275Val (NM_004011.4); c.815C>T, p.Ala272Val (NM_004012.4); short protein forms A1608V, A1612V, A272V, A275V, A1493V, A1616V.
Identifiers: ClinVar variation 1374435 (VCV001374435.6), dbSNP rs370167370, ClinGen allele CA412672649.
Genomic context (GRCh38, chrX:32,365,198, plus strand): 5'-TCTCCTACCTCTGTGATACTCTTCAGGTGCACCTTCTGTTTCTCAATCTCTTTTTGAGTA[G>A]CCTGTGAAAAGGAGAGCATTGACCTTCAAGTAATGTCTTGTAGTCTTAAGATTTAATGCT-3'
Protein context (NP_003997.2, residues 1606-1626): NLDSEVAWGK[Ala1616Val]TQKEIEKQKV